The following is an entry in ClinVar:

NM_017553.3(INO80):c.3842G>A (p.Arg1281Gln)

Gene: INO80 (INO80 complex ATPase subunit; minus strand). Cytogenetic location: 15q15.1.
Variant type: single nucleotide variant.
Coding change: c.3842G>A on transcript NM_017553.3 (MANE Select); coding-DNA position 3842, G replaced by A.
Protein change: p.Arg1281Gln; replaces arginine 1281 with glutamine.
Molecular consequence: missense variant. On other transcripts: non-coding transcript variant (1).
Genome position (GRCh38, 1-based): chr15:40,985,417, C>T on the plus strand (G>A on the coding strand, the complement: INO80 is on the minus strand). VCF-style: chr15-40985417-C-T. GRCh37 (hg19) VCF-style: chr15-41277615-C-T.
Other names: short protein forms R1281Q.
Identifiers: ClinVar variation 719735 (VCV000719735.8), dbSNP rs141223506, ClinGen allele CA7488633.

ClinVar aggregate classification (germline): Conflicting classifications of pathogenicity. Review status: criteria provided, conflicting classifications (1 of 4 stars). 3 submissions from 3 submitters: Uncertain significance (1); Likely benign (2). Last evaluated 2024-11-13.

Allele frequency attached by ClinVar (database versions not stated): 1000 Genomes Project 30x 0.00047; 1000 Genomes Project 0.00060; ExAC 0.00106; gnomAD exomes 0.00117; gnomAD 0.00130 and 0.00131; TOPMed 0.00135; ESP Exome Variant Server 0.00185.
gnomAD v4.1: 3,344 of 1,612,958 alleles (0.21%); highest among the groups gnomAD compares: Non-Finnish European, 0.26%; 11 homozygotes.

Submissions (3):

Blueprint Genetics
Classification: Likely benign. Last evaluated: 2024-11-13. Review status: criteria provided, single submitter. Criteria: ACMG Guidelines, 2015. Collection method: clinical testing. Allele origin: germline.

Center for Genomics, Ann and Robert H. Lurie Children's Hospital of Chicago
Classification: Uncertain significance. Last evaluated: 2021-12-08. Review status: criteria provided, single submitter. Criteria: ACMG Guidelines, 2015. Collection method: clinical testing. Allele origin: germline.
Comment: INO80 NM_017553.2 exon 32 p.Arg1281Gln (c.3842G>A): This variant has not been reported in the literature but is present in 0.1% (223/129174) of European alleles in the Genome Aggregation Database, including one homozygote. This variant is present in ClinVar (Variation ID:719735). Evolutionary conservation and computational predictive tools for this variant are unclear. In summary, data on this variant suggests that this variant does not cause disease, but requires further evidence. Therefore, the clinical significance of this variant is uncertain.

Labcorp Genetics (formerly Invitae), Labcorp
Classification: Likely benign. Last evaluated: 2019-12-31. Review status: criteria provided, single submitter. Criteria: Invitae Variant Classification Sherloc (09022015). Collection method: clinical testing. Allele origin: germline.